The following is an entry in ClinVar:

NM_000038.6(APC):c.135+4610G>A

Gene: APC (APC regulator of WNT signaling pathway; plus strand). Cytogenetic location: 5q22.2.
Variant type: single nucleotide variant.
Coding change: c.135+4610G>A on transcript NM_000038.6 (MANE Select); 4610 bases into the intron after coding-DNA position 135, G replaced by A.
Molecular consequence: intron variant.
Genome position (GRCh38, 1-based): chr5:112,759,635, G>A. VCF-style: chr5-112759635-G-A. GRCh37 (hg19) VCF-style: chr5-112095332-G-A.
Other names: c.135+4610G>A (NM_001354895.2, NM_001127510.3, NM_001354896.2 and 2 more transcripts); c.166-6691G>A (NM_001354897.2, NM_001354902.2, NM_001127511.3); c.61-6691G>A (NM_001354898.2, NM_001354904.2); c.-901+4610G>A (NM_001354906.2); c.-42-6691G>A (NM_001354900.2, NM_001354901.2, NM_001354905.2).
Identifiers: ClinVar variation 82832 (VCV000082832.2), dbSNP rs2546116, ClinGen allele CA004388.

ClinVar aggregate classification (germline): other (0 of 4 stars; one submission).

Conditions:
Familial colorectal cancer. Identifiers: MedGen CN280943, MONDO:0023113. Disease mechanism: loss of function.

Allele frequency attached by ClinVar (database versions not stated): 1000 Genomes Project 30x 0.18879; 1000 Genomes Project 0.18950; TOPMed 0.24624; gnomAD 0.26858 and 0.26989.
gnomAD v4.1: 40,921 of 151,934 alleles (27%); highest among the groups gnomAD compares: Non-Finnish European, 36%; 6,706 homozygotes.

Submission:

Systems Biology Platform Zhejiang California International NanoSystems Institute
Classification: other for Familial colorectal cancer. Review status: no assertion criteria provided. Collection method: not provided. Allele origin: unknown.
ClinVar note: Converted during submission from cancer to other.